The following is an entry in ClinVar:

ClinVar aggregate classification (germline): Uncertain significance (1 of 4 stars; one submission).

gnomAD v4.1: 2 of 1,613,648 alleles (0.00012%); highest among the groups gnomAD compares: South Asian, 0.0011%; no homozygotes.

Submission:

Labcorp Genetics (formerly Invitae), Labcorp
Classification: Uncertain significance. Last evaluated: 2025-05-09. Review status: criteria provided, single submitter. Criteria: Invitae Variant Classification Sherloc (09022015). Collection method: clinical testing. Allele origin: germline.
Comment: This sequence change replaces valine, which is neutral and non-polar, with isoleucine, which is neutral and non-polar, at codon 653 of the ACAN protein (p.Val653Ile). This variant is present in population databases (no rsID available, gnomAD 0.0009%). This variant has not been reported in the literature in individuals affected with ACAN-related conditions. Invitae Evidence Modeling of protein sequence and biophysical properties (such as structural, functional, and spatial information, amino acid conservation, physicochemical variation, residue mobility, and thermodynamic stability) indicates that this missense variant is not expected to disrupt ACAN protein function with a negative predictive value of 80%. In summary, the available evidence is currently insufficient to determine the role of this variant in disease. Therefore, it has been classified as a Variant of Uncertain Significance.

NM_001369268.1(ACAN):c.1957G>A (p.Val653Ile)

Gene: ACAN (aggrecan; plus strand). Cytogenetic location: 15q26.1.
Variant type: single nucleotide variant.
Coding change: c.1957G>A on transcript NM_001369268.1 (MANE Select); coding-DNA position 1957, G replaced by A.
Protein change: p.Val653Ile; replaces valine 653 with isoleucine.
Molecular consequence: missense variant.
Genome position (GRCh38, 1-based): chr15:88,849,662, G>A. VCF-style: chr15-88849662-G-A. GRCh37 (hg19) VCF-style: chr15-89392893-G-A.
Other names: c.1957G>A, p.Val653Ile (NM_001135.4, NM_001411096.1, NM_001411097.1 and 1 more transcripts); short protein forms V653I.
Identifiers: ClinVar variation 4694429 (VCV004694429.1).